The following is an entry in ClinVar:

ClinVar aggregate classification (germline): Conflicting classifications of pathogenicity. Review status: criteria provided, conflicting classifications (1 of 4 stars). 2 submissions from 2 submitters: Likely pathogenic (1); Uncertain significance (1). Last evaluated 2024-09-07.

Conditions:
Intellectual developmental disorder with autism and macrocephaly. Also called: CHD8-Related Neurodevelopmental Disorder with Overgrowth; Autism, susceptibility to, 18. Identifiers: Orphanet 642675, MedGen C3554373, MONDO:0014017, OMIM 615032.
CHD8-related disorder. Also called: CHD8-related condition; CHD8-related disorders.

Submissions (2):

Blueprint Genetics
Classification: Likely pathogenic for CHD8-related disorders. Last evaluated: 2024-09-07. Review status: criteria provided, single submitter. Criteria: ACMG Guidelines, 2015. Collection method: clinical testing. Allele origin: germline. Affected: yes. Observed: 1 variant allele.

Regional Center For Medical Genetics Timis, Louis Turcanu Emergency Hospital for Children Timisoara
Classification: Uncertain significance for Intellectual developmental disorder with autism and macrocephaly. Last evaluated: 2024-08-26. Review status: criteria provided, single submitter. Criteria: ACMG Guidelines, 2015. Collection method: research. Allele origin: maternal. Affected: yes. Observed: 1 heterozygote.
Comment: This variant is absent from healthy population databases (gnomAD v4). This variant creates a novel stop codon in the last exon of the canonical transcript. This event may lead to the protein truncation (<10% of the total number of amino acids). There are no missense pathogenic variants reported to date in the truncated region. Therefore, the variant was classified of uncertain significance, with arguments for benignity (class 3), according to ACMG and ClinGen criteria.

NM_001170629.2(CHD8):c.7267C>T (p.Arg2423Ter)

Gene: CHD8 (chromodomain helicase DNA binding protein 8; minus strand). Cytogenetic location: 14q11.2.
Variant type: single nucleotide variant.
Coding change: c.7267C>T on transcript NM_001170629.2 (MANE Select); coding-DNA position 7267, C replaced by T.
Protein change: p.Arg2423Ter; replaces arginine 2423 with a stop codon.
Molecular consequence: nonsense.
Genome position (GRCh38, 1-based): chr14:21,386,092, G>A on the plus strand (C>T on the coding strand, the complement: CHD8 is on the minus strand). VCF-style: chr14-21386092-G-A. GRCh37 (hg19) VCF-style: chr14-21854251-G-A.
Other names: c.6430C>T, p.Arg2144Ter (NM_020920.4); short protein forms R2144*, R2423*.
Identifiers: ClinVar variation 3338304 (VCV003338304.3).